The following is an entry in ClinVar:

NM_014855.3(AP5Z1):c.2375G>A (p.Arg792His)

Gene: AP5Z1 (adaptor related protein complex 5 subunit zeta 1; plus strand). Cytogenetic location: 7p22.1.
Variant type: single nucleotide variant.
Coding change: c.2375G>A on transcript NM_014855.3 (MANE Select); coding-DNA position 2375, G replaced by A.
Protein change: p.Arg792His; replaces arginine 792 with histidine.
Molecular consequence: missense variant. On other transcripts: non-coding transcript variant (1).
Genome position (GRCh38, 1-based): chr7:4,791,336, G>A. VCF-style: chr7-4791336-G-A. GRCh37 (hg19) VCF-style: chr7-4830967-G-A.
Other names: c.1907G>A, p.Arg636His (NM_001364858.1); short protein forms R636H, R792H.
Identifiers: ClinVar variation 1080493 (VCV001080493.19), dbSNP rs201677317, ClinGen allele CA4138456.

ClinVar aggregate classification (germline): Conflicting classifications of pathogenicity. Review status: criteria provided, conflicting classifications (1 of 4 stars). 4 submissions from 4 submitters: Uncertain significance (2); Likely benign (1). 1 of the submissions does not count toward it. Last evaluated 2024-10-21.

Conditions:
Hereditary spastic paraplegia 48. Also called: SPASTIC PARAPLEGIA 48, AUTOSOMAL RECESSIVE; Spastic paraplegia 48. Identifiers: Orphanet 306511, MedGen C3150901, MONDO:0013342, OMIM 613647.
AP5Z1-related disorder. Also called: AP5Z1-related condition.
Hereditary spastic paraplegia. Also called: Familial spastic paraparesis. Identifiers: Orphanet 685, MedGen C0037773, MONDO:0019064. Disease mechanism: loss of function.

Allele frequency attached by ClinVar (database versions not stated): TOPMed 0.00014; gnomAD 0.00015 and 0.00016; gnomAD exomes 0.00020 and 0.00026; ExAC 0.00036; 1000 Genomes Project 0.00040; 1000 Genomes Project 30x 0.00047.
gnomAD v4.1: 313 of 1,609,964 alleles (0.019%); highest among the groups gnomAD compares: East Asian, 0.054%; no homozygotes.

Submissions (4):

Labcorp Genetics (formerly Invitae), Labcorp
Classification: Likely benign for Hereditary spastic paraplegia 48. Last evaluated: 2024-10-21. Review status: criteria provided, single submitter. Criteria: Invitae Variant Classification Sherloc (09022015). Collection method: clinical testing. Allele origin: germline.

GeneDx
Classification: Uncertain significance. Last evaluated: 2023-10-27. Review status: criteria provided, single submitter. Criteria: GeneDx Variant Classification Process June 2021. Collection method: clinical testing. Allele origin: germline. Affected: yes.
Comment: Has not been previously published as pathogenic or benign to our knowledge; In silico analysis supports that this missense variant has a deleterious effect on protein structure/function

Genome Diagnostics Laboratory, The Hospital for Sick Children
Classification: Uncertain significance for Hereditary spastic paraplegia. Last evaluated: 2020-05-01. Review status: criteria provided, single submitter. Criteria: ACMG Guidelines, 2015. Collection method: clinical testing. Allele origin: germline. Affected: yes.

PreventionGenetics, part of Exact Sciences
Classification: Likely benign for AP5Z1-related condition. Last evaluated: 2022-05-27. Review status: no assertion criteria provided. Collection method: clinical testing. Allele origin: germline. Not counted in ClinVar's aggregate classification.
Comment: This variant is classified as likely benign based on ACMG/AMP sequence variant interpretation guidelines (Richards et al. 2015 PMID: 25741868, with internal and published modifications).